The following is an entry in ClinVar:

NM_000478.6(ALPL):c.517A>G (p.Thr173Ala)

Gene: ALPL (alkaline phosphatase, biomineralization associated; plus strand). Cytogenetic location: 1p36.12.
Variant type: single nucleotide variant.
Coding change: c.517A>G on transcript NM_000478.6 (MANE Select); coding-DNA position 517, A replaced by G.
Protein change: p.Thr173Ala; replaces threonine 173 with alanine.
Molecular consequence: missense variant.
Genome position (GRCh38, 1-based): chr1:21,564,085, A>G. VCF-style: chr1-21564085-A-G. GRCh37 (hg19) VCF-style: chr1-21890578-A-G.
Other names: c.352A>G, p.Thr118Ala (NM_001127501.4); c.286A>G, p.Thr96Ala (NM_001177520.3); c.517A>G, p.Thr173Ala (NM_001369803.2, NM_001369804.2, NM_001369805.2); short protein forms T118A, T173A, T96A.
Identifiers: ClinVar variation 1996668 (VCV001996668.4), dbSNP rs1570276523, ClinGen allele CA338877840.

ClinVar aggregate classification (germline): Likely pathogenic (1 of 4 stars; one submission).

Allele frequency attached by ClinVar (database versions not stated): gnomAD exomes below 0.00001.

Submission:

Labcorp Genetics (formerly Invitae), Labcorp
Classification: Likely pathogenic. Last evaluated: 2025-09-14. Review status: criteria provided, single submitter. Criteria: Invitae Variant Classification Sherloc (09022015). Collection method: clinical testing. Allele origin: germline.
Comment: This sequence change replaces threonine, which is neutral and polar, with alanine, which is neutral and non-polar, at codon 173 of the ALPL protein (p.Thr173Ala). This variant is not present in population databases (gnomAD no frequency). This variant has not been reported in the literature in individuals affected with ALPL-related conditions. ClinVar contains an entry for this variant (Variation ID: 1996668). Invitae Evidence Modeling of protein sequence and biophysical properties (such as structural, functional, and spatial information, amino acid conservation, physicochemical variation, residue mobility, and thermodynamic stability) indicates that this missense variant is expected to disrupt ALPL protein function with a positive predictive value of 95%. This variant disrupts the p.Thr173 amino acid residue in ALPL. Other variant(s) that disrupt this residue have been determined to be pathogenic (PMID: 32160374; internal data). This suggests that this residue is clinically significant, and that variants that disrupt this residue are likely to be disease-causing. In summary, the currently available evidence indicates that the variant is pathogenic, but additional data are needed to prove that conclusively. Therefore, this variant has been classified as Likely Pathogenic.

Literature cited by the submitters: PubMed 32160374.